The following is an entry in ClinVar:

ClinVar aggregate classification (germline): Uncertain significance. Review status: criteria provided, multiple submitters, no conflicts (2 of 4 stars). 2 submissions from 2 submitters: Uncertain significance (2). Last evaluated 2023-05-22.

Submissions (2):

Labcorp Genetics (formerly Invitae), Labcorp
Classification: Uncertain significance. Last evaluated: 2023-05-22. Review status: criteria provided, single submitter. Criteria: Invitae Variant Classification Sherloc (09022015). Collection method: clinical testing. Allele origin: germline.
Comment: In summary, the available evidence is currently insufficient to determine the role of this variant in disease. Therefore, it has been classified as a Variant of Uncertain Significance. This variant has not been reported in the literature in individuals affected with CPLANE1-related conditions. ClinVar contains an entry for this variant (Variation ID: 2115365). Advanced modeling of protein sequence and biophysical properties (such as structural, functional, and spatial information, amino acid conservation, physicochemical variation, residue mobility, and thermodynamic stability) performed at Invitae indicates that this missense variant is not expected to disrupt CPLANE1 protein function. This sequence change replaces serine, which is neutral and polar, with phenylalanine, which is neutral and non-polar, at codon 571 of the CPLANE1 protein (p.Ser571Phe). This variant is not present in population databases (gnomAD no frequency).

Blueprint Genetics
Classification: Uncertain significance. Last evaluated: 2018-07-16. Review status: criteria provided, single submitter. Criteria: ACMG Guidelines, 2015. Collection method: clinical testing. Allele origin: germline.

NM_001384732.1(CPLANE1):c.1712C>T (p.Ser571Phe)

Gene: CPLANE1 (ciliogenesis and planar polarity effector complex subunit 1; minus strand). Cytogenetic location: 5p13.2.
Variant type: single nucleotide variant.
Coding change: c.1712C>T on transcript NM_001384732.1 (MANE Select); coding-DNA position 1712, C replaced by T.
Protein change: p.Ser571Phe; replaces serine 571 with phenylalanine.
Molecular consequence: missense variant.
Genome position (GRCh38, 1-based): chr5:37,226,883, G>A on the plus strand (C>T on the coding strand, the complement: CPLANE1 is on the minus strand). VCF-style: chr5-37226883-G-A. GRCh37 (hg19) VCF-style: chr5-37226985-G-A.
Other names: c.1712C>T, p.Ser571Phe (NM_023073.4); short protein forms S571F.
Identifiers: ClinVar variation 2115365 (VCV002115365.5), dbSNP rs2548588262, ClinGen allele CA359500398.